The following is an entry in ClinVar:

NM_001447.3(FAT2):c.10792T>C (p.Tyr3598His)

Genes: FAT2 (FAT atypical cadherin 2; minus strand), SLC36A1 (solute carrier family 36 member 1; plus strand). Cytogenetic location: 5q33.1.
Variant type: single nucleotide variant.
Coding change: c.10792T>C on transcript NM_001447.3 (MANE Select); coding-DNA position 10792, T replaced by C.
Protein change: p.Tyr3598His; replaces tyrosine 3598 with histidine.
Molecular consequence: missense variant.
Genome position (GRCh38, 1-based): chr5:151,521,801, A>G on the plus strand (T>C on the coding strand, the complement: FAT2 is on the minus strand). VCF-style: chr5-151521801-A-G. GRCh37 (hg19) VCF-style: chr5-150901362-A-G.
Other names: short protein forms Y3598H.
Identifiers: ClinVar variation 2127211 (VCV002127211.4), dbSNP rs2480964564, ClinGen allele CA361824702.
Genomic context (GRCh38, chr5:151,521,801, plus strand): 5'-ACACATGGACCCCAGCAGTCGTGGTGAAGGTCCCATCGCTGACCGTGACGTTGAACGAGT[A>G]GTGGCCACGAGGCAGGCCCTGGGCGGCGATAATCTTGCCATCAGGCGCACCCACTGAGAA-3'
Protein context (NP_001438.1, residues 3588-3608): IAAQGLPRGH[Tyr3598His]SFNVTVSDGT

ClinVar aggregate classification (germline): Uncertain significance (1 of 4 stars; one submission).

Submission:

Labcorp Genetics (formerly Invitae), Labcorp
Classification: Uncertain significance. Last evaluated: 2022-10-03. Review status: criteria provided, single submitter. Criteria: Invitae Variant Classification Sherloc (09022015). Collection method: clinical testing. Allele origin: germline.
Comment: This variant is not present in population databases (gnomAD no frequency). This variant has not been reported in the literature in individuals affected with FAT2-related conditions. Algorithms developed to predict the effect of missense changes on protein structure and function (SIFT, PolyPhen-2, Align-GVGD) all suggest that this variant is likely to be disruptive. In summary, the available evidence is currently insufficient to determine the role of this variant in disease. Therefore, it has been classified as a Variant of Uncertain Significance. This sequence change replaces tyrosine, which is neutral and polar, with histidine, which is basic and polar, at codon 3598 of the FAT2 protein (p.Tyr3598His).